The following is an entry in ClinVar:

NM_182961.4(SYNE1):c.1126G>A (p.Gly376Ser)

Gene: SYNE1 (spectrin repeat containing nuclear envelope protein 1; minus strand). Cytogenetic location: 6q25.2.
Variant type: single nucleotide variant.
Coding change: c.1126G>A on transcript NM_182961.4 (MANE Select); coding-DNA position 1126, G replaced by A.
Protein change: p.Gly376Ser; replaces glycine 376 with serine.
Molecular consequence: missense variant.
Genome position (GRCh38, 1-based): chr6:152,484,894, C>T on the plus strand (G>A on the coding strand, the complement: SYNE1 is on the minus strand). VCF-style: chr6-152484894-C-T. GRCh37 (hg19) VCF-style: chr6-152806029-C-T.
Other names: c.1147G>A, p.Gly383Ser (NM_033071.5); c.1126G>A (NM_182961.2); short protein forms G376S, G383S.
Identifiers: ClinVar variation 1418450 (VCV001418450.7), dbSNP rs757408388, ClinGen allele CA4059513.

ClinVar aggregate classification (germline): Uncertain significance. Review status: criteria provided, multiple submitters, no conflicts (2 of 4 stars). 2 submissions from 2 submitters: Uncertain significance (2). Last evaluated 2023-05-12.

Conditions:
Emery-Dreifuss muscular dystrophy 4, autosomal dominant (EDMD4). Also called: EMERY-DREIFUSS MUSCULAR DYSTROPHY 4 WITH VARIABLE FEATURES. Identifiers: Orphanet 261, MedGen C2751807, MONDO:0013071, OMIM 612998.
Autosomal recessive ataxia, Beauce type. Also called: Spinocerebellar ataxia, autosomal recessive 8; ATAXIA, RECESSIVE, OF BEAUCE; SYNE1 Deficiency; SYNE1-Related Autosomal Recessive Cerebellar Ataxia. Identifiers: Orphanet 88644, MedGen C1853116, MONDO:0012549, OMIM 610743.

Allele frequency attached by ClinVar (database versions not stated): TOPMed below 0.00001; gnomAD exomes 0.00002; ExAC 0.00003.
gnomAD v4.1: 19 of 1,613,770 alleles (0.0012%); highest among the groups gnomAD compares: East Asian, 0.025%; no homozygotes.

Submissions (2):

Athena Diagnostics
Classification: Uncertain significance. Last evaluated: 2023-05-12. Review status: criteria provided, single submitter. Criteria: Athena Diagnostics Criteria. Collection method: clinical testing. Allele origin: unknown.
Comment: Available data are insufficient to determine the clinical significance of the variant at this time. The frequency of this variant in the general population is uninformative in assessment of its pathogenicity. Computational tools predict that this variant is not damaging.

Labcorp Genetics (formerly Invitae), Labcorp
Classification: Uncertain significance for Emery-Dreifuss muscular dystrophy 4, autosomal dominant; Autosomal recessive ataxia, Beauce type. Last evaluated: 2022-10-13. Review status: criteria provided, single submitter. Criteria: Invitae Variant Classification Sherloc (09022015). Collection method: clinical testing. Allele origin: germline.
Comment: In summary, the available evidence is currently insufficient to determine the role of this variant in disease. Therefore, it has been classified as a Variant of Uncertain Significance. Algorithms developed to predict the effect of sequence changes on RNA splicing suggest that this variant may disrupt the consensus splice site. Algorithms developed to predict the effect of missense changes on protein structure and function output the following: SIFT: "Deleterious"; PolyPhen-2: "Possibly Damaging"; Align-GVGD: "Class C0". The serine amino acid residue is found in multiple mammalian species, which suggests that this missense change does not adversely affect protein function. ClinVar contains an entry for this variant (Variation ID: 1418450). This variant has not been reported in the literature in individuals affected with SYNE1-related conditions. This variant is present in population databases (rs757408388, gnomAD 0.02%). This sequence change replaces glycine, which is neutral and non-polar, with serine, which is neutral and polar, at codon 383 of the SYNE1 protein (p.Gly383Ser).